The following is an entry in ClinVar:

ClinVar aggregate classification (germline): Benign (1 of 4 stars; one submission).

Conditions:
Focal segmental glomerulosclerosis 3, susceptibility to (FSGS3). Identifiers: Orphanet 656, MedGen C1842982, MONDO:0011917, OMIM 607832.

Allele frequency attached by ClinVar (database versions not stated): gnomAD 0.24576 and 0.25075; TOPMed 0.25496; 1000 Genomes Project 30x 0.30684; 1000 Genomes Project 0.31170; gnomAD exomes 0.31776.
gnomAD v4.1: 38,153 of 151,980 alleles (25%); highest among the groups gnomAD compares: East Asian, 60%; 5,505 homozygotes.

Submission:

Illumina Laboratory Services, Illumina
Classification: Benign for Focal segmental glomerulosclerosis 3, susceptibility to. Last evaluated: 2018-01-13. Review status: criteria provided, single submitter. Criteria: ICSL Variant Classification Criteria 13 December 2019. Collection method: clinical testing. Allele origin: germline.
Comment: This variant was observed in the ICSL laboratory as part of a predisposition screen in an ostensibly healthy population. It had not been previously curated by ICSL or reported in the Human Gene Mutation Database (HGMD: prior to June 1st, 2018), and was therefore a candidate for classification through an automated scoring system. Utilizing variant allele frequency, disease prevalence and penetrance estimates, and inheritance mode, an automated score was calculated to assess if this variant is too frequent to cause the disease. Based on the score and internal cut-off values, a variant classified as benign is not then subjected to further curation. The score for this variant resulted in a classification of benign for this disease.

NM_012120.3(CD2AP):c.*2759G>A

Gene: CD2AP (CD2 associated protein; plus strand). Cytogenetic location: 6p12.3.
Variant type: single nucleotide variant.
Coding change: c.*2759G>A on transcript NM_012120.3 (MANE Select); 2759 bases downstream of the stop codon, G replaced by A.
Molecular consequence: 3 prime UTR variant.
Genome position (GRCh38, 1-based): chr6:47,626,986, G>A. VCF-style: chr6-47626986-G-A. GRCh37 (hg19) VCF-style: chr6-47594722-G-A.
Identifiers: ClinVar variation 357234 (VCV000357234.5), dbSNP rs719856, ClinGen allele CA10627078.